The following is an entry in ClinVar:

NM_003901.4(SGPL1):c.773G>A (p.Arg258Gln)

Gene: SGPL1 (sphingosine-1-phosphate lyase 1; plus strand). Cytogenetic location: 10q22.1.
Variant type: single nucleotide variant.
Coding change: c.773G>A on transcript NM_003901.4 (MANE Select); coding-DNA position 773, G replaced by A.
Protein change: p.Arg258Gln; replaces arginine 258 with glutamine.
Molecular consequence: missense variant. On other transcripts: non-coding transcript variant (1).
Genome position (GRCh38, 1-based): chr10:70,869,860, G>A. VCF-style: chr10-70869860-G-A. GRCh37 (hg19) VCF-style: chr10-72629617-G-A.
Other names: c.533G>A, p.Arg178Gln (NM_001437828.1); c.806G>A, p.Arg269Gln (NM_001438353.1); c.773G>A, p.Arg258Gln (NM_001438354.1, NM_001438355.1, NM_001438356.1 and 1 more transcripts); short protein forms R178Q, R258Q, R269Q.
Identifiers: ClinVar variation 4848534 (VCV004848534.1).
Genomic context (GRCh38, chr10:70,869,860, plus strand): 5'-CCCAAAGTGCCCATGCTGCATTTAACAAAGCAGCCAGTTACTTTGGGATGAAGATTGTGC[G>A]GGTCCCATTGACGAAGATGATGGAGGTGGATGTGCGGGTGAGTCCCTCTGGAGGGCCCAC-3'
Protein context (NP_003892.2, residues 248-268): AASYFGMKIV[Arg258Gln]VPLTKMMEVD

ClinVar aggregate classification (germline): Uncertain significance (1 of 4 stars; one submission).

Submission:

Women's Health and Genetics/Laboratory Corporation of America, LabCorp
Classification: Uncertain significance. Last evaluated: 2026-04-15. Review status: criteria provided, single submitter. Criteria: LabCorp Variant Classification Summary - May 2015. Collection method: clinical testing. Allele origin: germline.
Comment: Variant summary: SGPL1 c.773G>A (p.Arg258Gln) results in a conservative amino acid change in the encoded protein sequence. Algorithms developed to predict the effect of missense changes on protein structure and function are either unavailable or do not agree on the potential impact of this missense change. The variant allele was found at a frequency of 2e-05 in 251328 control chromosomes. The available data on variant occurrences in the general population are insufficient to allow any conclusion about variant significance. To our knowledge, no occurrence of c.773G>A in individuals affected with SGPL1-related conditions and no experimental evidence demonstrating its impact on protein function have been reported. No submitters have cited clinical-significance assessments for this variant to ClinVar. Based on the evidence outlined above, the variant was classified as uncertain significance.